The following is an entry in ClinVar:

ClinVar aggregate classification (germline): Uncertain significance (1 of 4 stars; one submission).

Submission:

GeneDx
Classification: Uncertain significance. Last evaluated: 2024-05-20. Review status: criteria provided, single submitter. Criteria: GeneDx Variant Classification Process June 2021. Collection method: clinical testing. Allele origin: germline. Affected: yes.
Comment: Frameshift variant predicted to result in abnormal protein length as the last 127 amino acids are replaced with 10 different amino acids in a gene for which loss-of-function is not an established mechanism of disease; Not observed at significant frequency in large population cohorts (gnomAD); Has not been previously published as pathogenic or benign to our knowledge

NM_001744.6(CAMK4):c.1035_1038dup (p.Gly347fs)

Gene: CAMK4 (calcium/calmodulin dependent protein kinase IV; plus strand). Cytogenetic location: 5q22.1.
Variant type: Duplication.
Coding change: c.1035_1038dup on transcript NM_001744.6 (MANE Select); coding-DNA positions 1035 to 1038, 4 bases duplicated (CCAT; older notation c.1035_1038dupCCAT).
Protein change: p.Gly347fs; shifts the reading frame from glycine 347.
Molecular consequence: frameshift variant.
Genome position (GRCh38, 1-based): chr5:111,484,079-111,484,082, CCAT duplicated. VCF-style (leftmost placement, unchanged base first): chr5-111484078-G-GCCAT. GRCh37 (hg19) VCF-style: chr5-110819776-G-GCCAT.
Other names: c.1035_1038dup, p.Gly347fs (NM_001323374.2, NM_001323375.2); c.444_447dup, p.Gly150fs (NM_001323376.2, NM_001323377.2); short protein forms G150fs, G347fs.
Identifiers: ClinVar variation 3381488 (VCV003381488.1).